The following is an entry in ClinVar:

NM_000059.4(BRCA2):c.8941G>A (p.Glu2981Lys)

Gene: BRCA2 (BRCA2 DNA repair associated; plus strand). Cytogenetic location: 13q13.1.
Variant type: single nucleotide variant.
Coding change: c.8941G>A on transcript NM_000059.4 (MANE Select); coding-DNA position 8941, G replaced by A.
Protein change: p.Glu2981Lys; replaces glutamic acid 2981 with lysine.
Molecular consequence: missense variant.
Genome position (GRCh38, 1-based): chr13:32,379,503, G>A. VCF-style: chr13-32379503-G-A. GRCh37 (hg19) VCF-style: chr13-32953640-G-A.
Other names: p.E2981K:GAA>AAA; short protein forms E2981K.
Identifiers: ClinVar variation 41571 (VCV000041571.54), dbSNP rs139052578, ClinGen allele CA025880.
Genomic context (GRCh38, chr13:32,379,503, plus strand): 5'-GGTTTATCAAGGGATGTCACAACCGTGTGGAAGTTGCGTATTGTAAGCTATTCAAAAAAA[G>A]AAAAAGATTCAGGTAAGTATGTAAATGCTTTGTTTTTATCAGTTTTATTAACTTAAAAAA-3'
Protein context (NP_000050.3, residues 2971-2991): KLRIVSYSKK[Glu2981Lys]KDSVILSIWR

ClinVar aggregate classification (germline): Conflicting classifications of pathogenicity. Review status: criteria provided, conflicting classifications (1 of 4 stars). 11 submissions from 11 submitters: Uncertain significance (6); Likely benign (4). 1 of the submissions does not count toward it. Last evaluated 2025-11-05.

Conditions:
Hereditary cancer-predisposing syndrome. Also called: Tumor predisposition; Neoplastic Syndromes, Hereditary; Hereditary Cancer Syndrome; Hereditary neoplastic syndrome. Identifiers: Orphanet 140162, MedGen C0027672, MeSH D009386, MONDO:0015356.
Hereditary breast ovarian cancer syndrome. Also called: Hereditary breast and ovarian cancer syndrome; Hereditary breast and ovarian cancer; Hereditary breast and ovarian cancer syndrome (HBOC); Hereditary breast and/or ovarian cancer syndrome; Breast and ovarian cancer; BRCA1- and BRCA2-Associated Hereditary Breast and Ovarian Cancer. Identifiers: Orphanet 145, MedGen C0677776, MeSH D061325, MONDO:0003582. Disease mechanism: loss of function.
Breast-ovarian cancer, familial, susceptibility to, 2 (BROVCA2). Also called: BRCA2 Hereditary Breast and Ovarian Cancer. Identifiers: Orphanet 145, MedGen C2675520, MONDO:0012933, OMIM 612555. Disease mechanism: loss of function.
Familial cancer of breast. Also called: Hereditary breast cancer; BREAST CANCER, FAMILIAL; hereditary breast carcinoma. Identifiers: Orphanet 227535, MedGen C0346153, MONDO:0016419, OMIM 114480. Disease mechanism: loss of function.

Allele frequency attached by ClinVar (database versions not stated): gnomAD exomes 0.00001; TOPMed 0.00001.
gnomAD v4.1: 8 of 1,612,460 alleles (0.0005%); highest among the groups gnomAD compares: Non-Finnish European, 0.00068%; no homozygotes.

Submissions (11):

Labcorp Genetics (formerly Invitae), Labcorp
Classification: Likely benign for Hereditary breast ovarian cancer syndrome. Last evaluated: 2025-11-05. Review status: criteria provided, single submitter. Criteria: Invitae Variant Classification Sherloc (09022015). Collection method: clinical testing. Allele origin: germline.

Color Diagnostics, LLC DBA Color Health
Classification: Likely benign for Hereditary cancer-predisposing syndrome. Last evaluated: 2025-09-04. Review status: criteria provided, single submitter. Criteria: ACMG Guidelines, 2015. Collection method: clinical testing. Allele origin: germline.

CeGaT Center for Human Genetics Tuebingen
Classification: Likely benign. Last evaluated: 2024-01-01. Review status: criteria provided, single submitter. Criteria: CeGaT Center For Human Genetics Tuebingen Variant Classification Criteria Version 2. Collection method: clinical testing. Allele origin: germline. Affected: yes. Observed: 1 variant allele.
Comment: BRCA2: BP1, BP4, BS3:Supporting

All of Us Research Program, National Institutes of Health
Classification: Uncertain significance for Breast-ovarian cancer, familial, susceptibility to, 2. Last evaluated: 2023-12-13. Review status: criteria provided, single submitter. Criteria: ACMG Guidelines, 2015. Collection method: clinical testing. Allele origin: germline. Inheritance: Autosomal dominant inheritance. Observed: 6 variant alleles, 6 heterozygotes.
Comment: This missense variant replaces glutamic acid with lysine at codon 2981 of the BRCA2 protein. Computational prediction is inconclusive regarding the impact of this variant on protein structure and function (internally defined REVEL score threshold 0.5 < inconclusive < 0.7, PMID: 27666373). Functional studies have shown that this variant does not impact homology-directed DNA repair activity (PMID: 29884841, 35736817). This variant has been reported in individuals affected with breast or ovarian cancer (PMID: 21318380, 28480178, 35535289), and prostate cancer (PMID: 25111659). One of the individuals affected with ovarian cancer also carried a pathogenic variant in the BRCA1 gene, which could explain the observed phenotype (PMID: 35535289). This variant has been identified in 1/242750 chromosomes in the general population by the Genome Aggregation Database (gnomAD). The available evidence is insufficient to determine the role of this variant in disease conclusively. Therefore, this variant is classified as a Variant of Uncertain Significance.

This study involves interpretation of variants in research participants for the purpose of population health screening. Participant phenotype was not available at the time of variant classification. Additional details can be found in publication PMID: 35346344, PMCID: PMC8962531

Baylor Genetics
Classification: Uncertain significance for Familial cancer of breast. Last evaluated: 2023-09-15. Review status: criteria provided, single submitter. Criteria: ACMG Guidelines, 2015. Collection method: clinical testing. Allele origin: unknown.

Sema4
Classification: Uncertain significance for Hereditary cancer-predisposing syndrome. Last evaluated: 2021-12-20. Review status: criteria provided, single submitter. Criteria: Sema4 Curation Guidelines. Collection method: curation. Allele origin: germline.
Comment: The BRCA2 c.8941G>A (p.Glu2981Lys) variant has been reported in heterozygosity in at least 3 individuals with breast and prostate cancer (PMID: 21318380, 25111659). It was observed in 3/16014 chromosomes of the African/African American (AFR) subpopulation in the large and broad cohorts of the Genome Aggregation Database (PMID: 32461654). This variant has been reported in ClinVar (Variation ID 41571). In silico predictions of the variant's effect on protein function are inconclusive. A homologous recombination deficiency repair study demonstrated the normal function of the protein (PMID: 29884841). The evidence is insufficient to meet ACMG/AMP criteria for classifying the variant as benign or pathogenic. Thus, the clinical significance of this variant is currently uncertain.

Institute for Clinical Genetics, University Hospital TU Dresden, University Hospital TU Dresden
Classification: Uncertain significance. Last evaluated: 2021-11-03. Review status: criteria provided, single submitter. Criteria: ACMG Guidelines, 2015. Collection method: clinical testing. Allele origin: germline.

Ambry Genetics
Classification: Likely benign for Hereditary cancer-predisposing syndrome. Last evaluated: 2019-12-06. Review status: criteria provided, single submitter. Criteria: Ambry Variant Classification Scheme 2023. Collection method: clinical testing. Allele origin: germline.

GeneDx
Classification: Uncertain significance. Last evaluated: 2018-07-05. Review status: criteria provided, single submitter. Criteria: GeneDx Variant Classification (06012015). Collection method: clinical testing. Allele origin: germline. Affected: yes.
Comment: This variant is denoted BRCA2 c.8941G>A at the cDNA level, p.Glu2981Lys (E2981K) at the protein level, and results in the change of a Glutamic Acid to a Lysine (GAA>AAA). Using alternate nomenclature, this variant would be defined as BRCA2 9169G>A. This variant has been observed in individuals diagnosed with early-onset and/or familial breast cancer, ovarian cancer, and early-onset or familial prostate cancer (Hansen 2011, Maier 2014, Caminsky 2016). BRCA2 Glu2981Lys was not observed at a significant allele frequency in large population cohorts (Lek 2016). This variant is located in the DNA Binding Domain (Yang 2002). In silico analysis, which includes protein predictors and evolutionary conservation, supports that this variant does not alter protein structure/function. Based on currently available evidence, it is unclear whether BRCA2 Glu2981Lys is a pathogenic or benign variant. We consider it to be a variant of uncertain significance.

Quest Diagnostics Nichols Institute San Juan Capistrano
Classification: Uncertain significance. Last evaluated: 2017-11-10. Review status: criteria provided, single submitter. Criteria: Quest Diagnostics criteria. Collection method: clinical testing. Allele origin: unknown.

Biesecker Lab/Clinical Genomics Section, National Institutes of Health
Classification: Uncertain significance. Last evaluated: 2012-07-13. Review status: no assertion criteria provided. Collection method: research. Allele origin: germline. Affected: no. Observed: 1 variant allele. Study: ClinSeq. Not counted in ClinVar's aggregate classification.
ClinVar note: Converted during submission from variant of unknown significance to Uncertain significance.

Literature cited by the submitters: PubMed 21318380 (cited by All of Us Research Program, National Institutes of Health and Sema4); PubMed 25111659 (cited by 3 submitters); PubMed 28480178 (cited by All of Us Research Program, National Institutes of Health); PubMed 29884841 (cited by 3 submitters); PubMed 35535289 (cited by All of Us Research Program, National Institutes of Health); PubMed 35736817 (cited by All of Us Research Program, National Institutes of Health); PubMed 31550176 (cited by Ambry Genetics).